The following is an entry in ClinVar:

NM_001127198.5(TMC6):c.1513G>C (p.Glu505Gln)

Gene: TMC6 (transmembrane channel like 6; minus strand). Cytogenetic location: 17q25.3.
Variant type: single nucleotide variant.
Coding change: c.1513G>C on transcript NM_001127198.5 (MANE Select); coding-DNA position 1513, G replaced by C.
Protein change: p.Glu505Gln; replaces glutamic acid 505 with glutamine.
Molecular consequence: missense variant. On other transcripts: non-coding transcript variant (4).
Genome position (GRCh38, 1-based): chr17:78,121,035, C>G on the plus strand (G>C on the coding strand, the complement: TMC6 is on the minus strand). VCF-style: chr17-78121035-C-G. GRCh37 (hg19) VCF-style: chr17-76117116-C-G.
Other names: c.1513G>C, p.Glu505Gln (NM_001321185.1, NM_001374593.1, NM_001374594.1 and 4 more transcripts); short protein forms E505Q.
Identifiers: ClinVar variation 664757 (VCV000664757.8), dbSNP rs1598851405, ClinGen allele CA401228037.

ClinVar aggregate classification (germline): Uncertain significance (1 of 4 stars; one submission).

Conditions:
Epidermodysplasia verruciformis. Identifiers: Orphanet 302, MedGen C0014522, MONDO:0009176.

Allele frequency attached by ClinVar (database versions not stated): gnomAD exomes below 0.00001; gnomAD 0.00001.
gnomAD v4.1: 2 of 1,613,276 alleles (0.00012%); highest among the groups gnomAD compares: African/African-American, 0.0027%; no homozygotes.

Submission:

Labcorp Genetics (formerly Invitae), Labcorp
Classification: Uncertain significance for Epidermodysplasia verruciformis. Last evaluated: 2018-08-01. Review status: criteria provided, single submitter. Criteria: Invitae Variant Classification Sherloc (09022015). Collection method: clinical testing. Allele origin: germline.
Comment: In summary, the available evidence is currently insufficient to determine the role of this variant in disease. Therefore, it has been classified as a Variant of Uncertain Significance. Algorithms developed to predict the effect of sequence changes on RNA splicing suggest that this variant may create or strengthen a splice site, but this prediction has not been confirmed by published transcriptional studies. Algorithms developed to predict the effect of missense changes on protein structure and function (SIFT, PolyPhen-2, Align-GVGD) all suggest that this variant is likely to be tolerated, but these predictions have not been confirmed by published functional studies and their clinical significance is uncertain. This variant has not been reported in the literature in individuals with TMC6-related disease. This variant is not present in population databases (ExAC no frequency). This sequence change replaces glutamic acid with glutamine at codon 505 of the TMC6 protein (p.Glu505Gln). The glutamic acid residue is moderately conserved and there is a small physicochemical difference between glutamic acid and glutamine.